The following is an entry in ClinVar:

ClinVar aggregate classification (germline): Uncertain significance. Review status: criteria provided, multiple submitters, no conflicts (2 of 4 stars). 3 submissions from 3 submitters: Uncertain significance (3). Last evaluated 2023-06-13.

Conditions:
Hereditary cancer-predisposing syndrome. Also called: Hereditary neoplastic syndrome; Tumor predisposition; Neoplastic Syndromes, Hereditary; Hereditary Cancer Syndrome. Identifiers: Orphanet 140162, MedGen C0027672, MeSH D009386, MONDO:0015356.
Hereditary breast ovarian cancer syndrome. Also called: Hereditary breast and ovarian cancer; Hereditary breast and/or ovarian cancer syndrome; Hereditary breast and ovarian cancer syndrome; Hereditary breast and ovarian cancer syndrome (HBOC); Breast and ovarian cancer; BRCA1- and BRCA2-Associated Hereditary Breast and Ovarian Cancer. Identifiers: Orphanet 145, MedGen C0677776, MeSH D061325, MONDO:0003582. Disease mechanism: loss of function.

Allele frequency attached by ClinVar (database versions not stated): gnomAD exomes below 0.00001.
gnomAD v4.1: 1 of 1,611,252 alleles (0.000062%); no homozygotes.

Submissions (3):

Labcorp Genetics (formerly Invitae), Labcorp
Classification: Uncertain significance for Hereditary breast ovarian cancer syndrome. Last evaluated: 2023-06-13. Review status: criteria provided, single submitter. Criteria: Invitae Variant Classification Sherloc (09022015). Collection method: clinical testing. Allele origin: germline.
Comment: This variant has not been reported in the literature in individuals affected with BRCA2-related conditions. This variant is not present in population databases (gnomAD no frequency). This sequence change replaces serine, which is neutral and polar, with asparagine, which is neutral and polar, at codon 28 of the BRCA2 protein (p.Ser28Asn). ClinVar contains an entry for this variant (Variation ID: 418074). In summary, the available evidence is currently insufficient to determine the role of this variant in disease. Therefore, it has been classified as a Variant of Uncertain Significance. Advanced modeling of protein sequence and biophysical properties (such as structural, functional, and spatial information, amino acid conservation, physicochemical variation, residue mobility, and thermodynamic stability) performed at Invitae indicates that this missense variant is not expected to disrupt BRCA2 protein function.

Ambry Genetics
Classification: Uncertain significance for Hereditary cancer-predisposing syndrome. Last evaluated: 2019-09-06. Review status: criteria provided, single submitter. Criteria: Ambry Variant Classification Scheme 2023. Collection method: clinical testing. Allele origin: germline.
Comment: The p.S28N variant (also known as c.83G>A), located in coding exon 2 of the BRCA2 gene, results from a G to A substitution at nucleotide position 83. The serine at codon 28 is replaced by asparagine, an amino acid with highly similar properties. This amino acid position is highly conserved in available vertebrate species. In addition, this alteration is predicted to be tolerated by in silico analysis. Since supporting evidence is limited at this time, the clinical significance of this alteration remains unclear.

GeneDx
Classification: Uncertain significance. Last evaluated: 2015-02-05. Review status: criteria provided, single submitter. Criteria: GeneDx Variant Classification (06012015). Collection method: clinical testing. Allele origin: germline. Affected: yes.
Comment: This variant is denoted BRCA2 c.83G>A at the cDNA level, p.Ser28Asn (S28N) at the protein level, and results in the change of a Serine to an Asparagine (AGT>AAT). Using alternate nomenclature, this variant would be defined as BRCA2 311G>A. This variant has not, to our knowledge, been published in the literature as pathogenic or benign. BRCA2 Ser28Asn was not observed in approximately 6,500 individuals of European and African American ancestry in the NHLBI Exome Sequencing Project, indicating it is not a common benign variant in these populations. Since Serine and Asparagine share similar properties, this is considered a conservative amino acid substitution. BRCA2 Ser28Asn occurs at a position that is fully conserved across species and is located within the region that interacts with PALB2 (Roy 2012). In silico analyses predict that this variant is probably damaging to protein structure and function. Based on currently available information, it is unclear whether BRCA2 Ser28Asn is pathogenic or benign. We consider it to be a variant of uncertain significance.

NM_000059.4(BRCA2):c.83G>A (p.Ser28Asn)

Gene: BRCA2 (BRCA2 DNA repair associated; plus strand). Cytogenetic location: 13q13.1.
Variant type: single nucleotide variant.
Coding change: c.83G>A on transcript NM_000059.4 (MANE Select); coding-DNA position 83, G replaced by A.
Protein change: p.Ser28Asn; replaces serine 28 with asparagine.
Molecular consequence: missense variant.
Genome position (GRCh38, 1-based): chr13:32,319,092, G>A. VCF-style: chr13-32319092-G-A. GRCh37 (hg19) VCF-style: chr13-32893229-G-A.
Other names: short protein forms S28N.
Identifiers: ClinVar variation 418074 (VCV000418074.17), dbSNP rs1064793060, ClinGen allele CA16619635.
Genomic context (GRCh38, chr13:32,319,092, plus strand): 5'-GTCTGTCACTGGTTAAAACTAAGGTGGGATTTTTTTTTTAAATAGATTTAGGACCAATAA[G>A]TCTTAATTGGTTTGAAGAACTTTCTTCAGAAGCTCCACCCTATAATTCTGAACCTGCAGA-3'
Protein context (NP_000050.3, residues 18-38): RCNKADLGPI[Ser28Asn]LNWFEELSSE